The following is an entry in ClinVar:

NM_000089.4(COL1A2):c.1249A>G (p.Met417Val)

Gene: COL1A2 (collagen type I alpha 2 chain; plus strand). Cytogenetic location: 7q21.3.
Variant type: single nucleotide variant.
Coding change: c.1249A>G on transcript NM_000089.4 (MANE Select); coding-DNA position 1249, A replaced by G.
Protein change: p.Met417Val; replaces methionine 417 with valine.
Molecular consequence: missense variant.
Genome position (GRCh38, 1-based): chr7:94,410,940, A>G. VCF-style: chr7-94410940-A-G. GRCh37 (hg19) VCF-style: chr7-94040252-A-G.
Other names: short protein forms M417V.
Identifiers: ClinVar variation 3760488 (VCV003760488.3).
Genomic context (GRCh38, chr7:94,410,940, plus strand): 5'-TTCTTGCAGGGTAGTCCTGGTTCTCGTGGTCTTCCTGGAGCTGATGGCAGAGCTGGCGTC[A>G]TGGTAAGCTGTCTATCACTTACTTCCTAGAAAGGGGCTTGCTGCTTCTGGTGGTGGGTGT-3'
Protein context (NP_000080.2, residues 407-427): LPGADGRAGV[Met417Val]GPPGSRGASG

ClinVar aggregate classification (germline): Uncertain significance. Review status: criteria provided, multiple submitters, no conflicts (2 of 4 stars). 2 submissions from 2 submitters: Uncertain significance (2). Last evaluated 2026-07-10.

Conditions:
Cardiovascular phenotype. Identifiers: MedGen CN230736.
Ehlers-Danlos syndrome, classic type, 1 (EDSCL1). Also called: EDS I; Ehlers-Danlos Syndrome, Classic Type, COL5A1-Related; EHLERS-DANLOS SYNDROME, GRAVIS TYPE; EHLERS-DANLOS SYNDROME, SEVERE CLASSIC TYPE; Ehlers-Danlos syndrome, type 1. Identifiers: MedGen C0268335, MONDO:0019567, OMIM 130000.
Osteogenesis imperfecta type I (OI1). Also called: Lobstein disease; OI, TYPE I; OSTEOGENESIS IMPERFECTA TARDA; OSTEOGENESIS IMPERFECTA WITH BLUE SCLERAE; Osteogenesis imperfecta type 1; Lobstein's Disease. Identifiers: Orphanet 216796, Orphanet 666, MedGen C0023931, MONDO:0008146, OMIM 166200. Disease mechanism: loss of function.

gnomAD v4.1: 7 of 1,613,790 alleles (0.00043%); highest among the groups gnomAD compares: Admixed American, 0.005%; no homozygotes.

Submissions (2):

Ambry Genetics
Classification: Uncertain significance for Cardiovascular phenotype. Last evaluated: 2026-07-10. Review status: criteria provided, single submitter. Criteria: Ambry Variant Classification Scheme 2023. Collection method: clinical testing. Allele origin: germline.
Comment: The p.M417V variant (also known as c.1249A>G), located in coding exon 22 of the COL1A2 gene, results from an A to G substitution at nucleotide position 1249. The methionine at codon 417 is replaced by valine, an amino acid with highly similar properties. This amino acid position is conserved. In addition, the in silico prediction for this alteration is inconclusive. Based on the available evidence, the clinical significance of this variant remains unclear.

Labcorp Genetics (formerly Invitae), Labcorp
Classification: Uncertain significance for Osteogenesis imperfecta type I; Ehlers-Danlos syndrome, classic type, 1. Last evaluated: 2025-04-24. Review status: criteria provided, single submitter. Criteria: Invitae Variant Classification Sherloc (09022015). Collection method: clinical testing. Allele origin: germline.
Comment: This sequence change replaces methionine, which is neutral and non-polar, with valine, which is neutral and non-polar, at codon 417 of the COL1A2 protein (p.Met417Val). This variant is present in population databases (rs761124794, gnomAD 0.009%). This variant has not been reported in the literature in individuals affected with COL1A2-related conditions. ClinVar contains an entry for this variant (Variation ID: 3760488). An algorithm developed to predict the effect of missense changes on protein structure and function (PolyPhen-2) suggests that this variant is likely to be disruptive. In summary, the available evidence is currently insufficient to determine the role of this variant in disease. Therefore, it has been classified as a Variant of Uncertain Significance.